The following is an entry in ClinVar:

ClinVar aggregate classification (germline): Uncertain significance. Review status: criteria provided, multiple submitters, no conflicts (2 of 4 stars). 2 submissions from 2 submitters: Uncertain significance (2). Last evaluated 2025-09-04.

Conditions:
CEP164-related disorder. Also called: CEP164-related condition.
Nephronophthisis 15 (NPHP15). Identifiers: Orphanet 3156, MedGen C3541853, MONDO:0013917, OMIM 614845.

gnomAD v4.1: 8 of 1,613,698 alleles (0.0005%); highest among the groups gnomAD compares: Admixed American, 0.0067%; no homozygotes.

Submissions (2):

PreventionGenetics, part of Exact Sciences
Classification: Uncertain significance for CEP164-related condition. Last evaluated: 2025-09-04. Review status: criteria provided, single submitter. Criteria: ACMG Guidelines, 2015. Collection method: clinical testing. Allele origin: germline.
Comment: The CEP164 c.3232G>A variant is predicted to result in the amino acid substitution p.Val1078Met. To our knowledge, this variant has not been reported in the literature. This variant is reported in 0.0029% of alleles in individuals of Latino descent in gnomAD. At this time, the clinical significance of this variant is uncertain due to the absence of conclusive functional and genetic evidence.

Fulgent Genetics
Classification: Uncertain significance for Nephronophthisis 15. Last evaluated: 2024-02-14. Review status: criteria provided, single submitter. Criteria: ACMG Guidelines, 2015. Collection method: clinical testing. Allele origin: germline.

NM_014956.5(CEP164):c.3232G>A (p.Val1078Met)

Gene: CEP164 (centrosomal protein 164; plus strand). Cytogenetic location: 11q23.3.
Variant type: single nucleotide variant.
Coding change: c.3232G>A on transcript NM_014956.5 (MANE Select); coding-DNA position 3232, G replaced by A.
Protein change: p.Val1078Met; replaces valine 1078 with methionine.
Molecular consequence: missense variant.
Genome position (GRCh38, 1-based): chr11:117,396,565, G>A. VCF-style: chr11-117396565-G-A. GRCh37 (hg19) VCF-style: chr11-117267281-G-A.
Other names: c.3241G>A, p.Val1081Met (NM_001271933.2); c.3232G>A (NM_014956.4); short protein forms V1078M, V1081M.
Identifiers: ClinVar variation 3599093 (VCV003599093.2).